The following is an entry in ClinVar:

NM_006393.3(NEBL):c.2833_2841del (p.Ser945_Met947del)

Gene: NEBL (nebulette; minus strand). Cytogenetic location: 10p12.31.
Variant type: Deletion.
Coding change: c.2833_2841del on transcript NM_006393.3 (MANE Select); coding-DNA positions 2833 to 2841, 9 bases deleted (TCATCCATG; older notation c.2833_2841delTCATCCATG).
Protein change: p.Ser945_Met947del.
Molecular consequence: inframe deletion.
Genome position (GRCh38, 1-based): chr10:20,787,229-20,787,237, CATGGATGA deleted on the plus strand (TCATCCATG on the coding strand, the reverse complement: NEBL is on the minus strand); deleting any 9 consecutive bases within chr10:20,787,229-20,787,239 gives the same sequence; the c. name uses the placement nearest the transcript's 3' end. VCF-style (leftmost placement, unchanged base first): chr10-20787228-TCATGGATGA-T. GRCh37 (hg19) VCF-style: chr10-21076157-TCATGGATGA-T.
Other names: c.601_609del, p.Ser201_Met203del (NM_001173484.2, NM_213569.2); c.694_702del, p.Ser232_Met234del (NM_001377322.1); c.553_561del, p.Ser185_Met187del (NM_001377323.1); c.544_552del, p.Ser182_Met184del (NM_001377324.1); c.535_543del, p.Ser179_Met181del (NM_001377325.1); c.493_501del, p.Ser165_Met167del (NM_001377326.1, NM_001377327.1, NM_001377328.1).
Identifiers: ClinVar variation 2198836 (VCV002198836.4), dbSNP rs1277511025, ClinGen allele CA662772791.

ClinVar aggregate classification (germline): Uncertain significance (1 of 4 stars; one submission).

Conditions:
Primary dilated cardiomyopathy (DCM). Also called: Dilated Cardiomyopathy. Identifiers: Orphanet 217604, MedGen C0007193, MeSH D002311, MONDO:0005021, HP:0001644. Inheritance: Various modes of inheritance.

Submission:

Labcorp Genetics (formerly Invitae), Labcorp
Classification: Uncertain significance for Primary dilated cardiomyopathy. Last evaluated: 2022-08-16. Review status: criteria provided, single submitter. Criteria: Invitae Variant Classification Sherloc (09022015). Collection method: clinical testing. Allele origin: germline.
Comment: In summary, the available evidence is currently insufficient to determine the role of this variant in disease. Therefore, it has been classified as a Variant of Uncertain Significance. Experimental studies and prediction algorithms are not available or were not evaluated, and the functional significance of this variant is currently unknown. This variant has not been reported in the literature in individuals affected with NEBL-related conditions. This variant is not present in population databases (gnomAD no frequency). This variant, c.2833_2841del, results in the deletion of 3 amino acid(s) of the NEBL protein (p.Ser945_Met947del), but otherwise preserves the integrity of the reading frame.